The following is an entry in ClinVar:

ClinVar aggregate classification (germline): Uncertain significance (1 of 4 stars; one submission).

Conditions:
Wiskott-Aldrich syndrome 2 (WAS2). Also called: WIPF1 DEFICIENCY. Identifiers: Orphanet 906, MedGen C3281001, MONDO:0013779, OMIM 614493.

gnomAD v4.1: 1 of 1,613,890 alleles (0.000062%); highest among the groups gnomAD compares: African/African-American, 0.0013%; no homozygotes.

Submission:

St. Jude Molecular Pathology, St. Jude Children's Research Hospital
Classification: Uncertain significance for Wiskott-Aldrich syndrome 2. Last evaluated: 2026-02-11. Review status: criteria provided, single submitter. Criteria: St. Jude Assertion Criteria 2020. Collection method: clinical testing. Allele origin: germline.
Comment: The WIPF1 c.290C>T p.(Pro97Leu) missense change has a maximum subpopulation frequency of 0.0009% in gnomAD v2.1.1. The in silico tool REVEL is inconclusive about a pathogenic or benign effect of this variant on protein function, and to our knowledge functional studies have not been performed. To our knowledge, this variant has not been reported in individuals with Wiskott-Aldrich syndrome. In summary, the evidence currently available is insufficient to determine the clinical significance of this variant. It has therefore been classified as of uncertain significance.

NM_001375834.1(WIPF1):c.290C>T (p.Pro97Leu)

Genes: WIPF1 (WAS/WASL interacting protein family member 1; minus strand), WIPF1-AS1 (WIPF1 and CHRNA1 antisense RNA 1; plus strand). Cytogenetic location: 2q31.1.
Variant type: single nucleotide variant.
Coding change: c.290C>T on transcript NM_001375834.1 (MANE Select); coding-DNA position 290, C replaced by T.
Protein change: p.Pro97Leu; replaces proline 97 with leucine.
Molecular consequence: missense variant. On other transcripts: non-coding transcript variant (1), intron variant (1).
Genome position (GRCh38, 1-based): chr2:174,575,272, G>A on the plus strand (C>T on the coding strand, the complement: WIPF1 is on the minus strand). VCF-style: chr2-174575272-G-A. GRCh37 (hg19) VCF-style: chr2-175440000-G-A.
Other names: c.290C>T, p.Pro97Leu (NM_001077269.1, NM_001375832.1, NM_001375833.1 and 5 more transcripts); c.182-3027C>T (NM_001375839.1); short protein forms P97L.
Identifiers: ClinVar variation 4813149 (VCV004813149.1).
Genomic context (GRCh38, chr2:174,575,272, plus strand): 5'-CTGTTGGCCGTGGATCTCAGCTTCGGCATTCCAGCCTGGAACAATCCTCCCAGACCTGGA[G>A]GTCCGCCCCCTCCAAAACTTCCACCGCCTCCGCCACCACCTCCTCCGCCAAATCCGCCGC-3'
Protein context (NP_001362763.1, residues 87-107): GGGGSFGGGG[Pro97Leu]PGLGGLFQAG